The following is an entry in ClinVar:

NM_006914.4(RORB):c.1223del (p.Lys408fs)

Gene: RORB (RAR related orphan receptor B; plus strand). Cytogenetic location: 9q21.13.
Variant type: Deletion.
Coding change: c.1223del on transcript NM_006914.4 (MANE Select); coding-DNA position 1223, one base deleted (A; older notation c.1223delA).
Protein change: p.Lys408fs; shifts the reading frame from lysine 408.
Molecular consequence: frameshift variant.
Genome position (GRCh38, 1-based): chr9:74,671,900, A deleted; the last of 3 consecutive A bases (chr9:74,671,898-74,671,900); deleting any one gives the same sequence. VCF-style (leftmost placement, unchanged base first): chr9-74671897-CA-C. GRCh37 (hg19) VCF-style: chr9-77286813-CA-C.
Other names: c.1256del, p.Lys419fs (NM_001365023.1); short protein forms K408fs, K419fs.
Identifiers: ClinVar variation 3898705 (VCV003898705.7).

ClinVar aggregate classification (germline): Likely pathogenic (1 of 4 stars; one submission).

Submission:

CeGaT Center for Human Genetics Tuebingen
Classification: Likely pathogenic. Last evaluated: 2025-04-01. Review status: criteria provided, single submitter. Criteria: CeGaT Center For Human Genetics Tuebingen Variant Classification Criteria Version 2. Collection method: clinical testing. Allele origin: germline. Affected: yes. Observed: 1 variant allele.
Comment: RORB: PVS1:Strong, PM2